The following is an entry in ClinVar:

ClinVar aggregate classification (germline): Pathogenic/Likely pathogenic. Review status: criteria provided, multiple submitters, no conflicts (2 of 4 stars). 3 submissions from 3 submitters: Pathogenic (1); Likely pathogenic (2). Last evaluated 2026-04-01.

Conditions:
NPHP3-related disorder. Also called: NPHP3-related condition; NPHP3-related disorders. Identifiers: MedGen CN379163.
Nephronophthisis. Also called: Juvenile Nephronophthisis. Identifiers: Orphanet 655, MedGen C0687120, MONDO:0019005, HP:0000090.
Nephronophthisis 3 (NPHP3). Also called: Adolescent nephronophthisis. Identifiers: Orphanet 655, MedGen C1858392, MONDO:0011456, OMIM 604387.
NPHP3-related Meckel-like syndrome. Also called: GOLDSTON SYNDROME; Meckel syndrome type 7. Identifiers: Orphanet 3032, MedGen C2673885, MONDO:0009966, OMIM 267010.
Renal-hepatic-pancreatic dysplasia 1 (RHPD1). Identifiers: MedGen C3715199, MONDO:0008833, OMIM 208540.

Submissions (3):

PreventionGenetics, part of Exact Sciences
Classification: Likely pathogenic for NPHP3-related condition. Last evaluated: 2026-04-01. Review status: criteria provided, single submitter. Criteria: ACMG Guidelines, 2015. Collection method: clinical testing. Allele origin: germline.
Comment: The NPHP3 c.1675delC variant is predicted to result in a frameshift and premature protein termination (p.His559Ilefs*15). To our knowledge, this variant has not been reported in the literature in individuals with NPHP3-related disorders. This variant is reported in 0.0029% of alleles in individuals of Latino descent in gnomAD. Frameshift variants in NPHP3 are expected to be pathogenic. This variant is interpreted as likely pathogenic.

Fulgent Genetics
Classification: Likely pathogenic for Renal-hepatic-pancreatic dysplasia 1; NPHP3-related Meckel-like syndrome; Nephronophthisis 3. Last evaluated: 2024-02-14. Review status: criteria provided, single submitter. Criteria: ACMG Guidelines, 2015. Collection method: clinical testing. Allele origin: germline.

Labcorp Genetics (formerly Invitae), Labcorp
Classification: Pathogenic for Nephronophthisis. Last evaluated: 2024-02-03. Review status: criteria provided, single submitter. Criteria: Invitae Variant Classification Sherloc (09022015). Collection method: clinical testing. Allele origin: germline.
Comment: This sequence change creates a premature translational stop signal (p.His559Ilefs*15) in the NPHP3 gene. It is expected to result in an absent or disrupted protein product. Loss-of-function variants in NPHP3 are known to be pathogenic (PMID: 18371931, 23559409). This variant is present in population databases (no rsID available, gnomAD 0.003%). This variant has not been reported in the literature in individuals affected with NPHP3-related conditions. ClinVar contains an entry for this variant (Variation ID: 2021418). For these reasons, this variant has been classified as Pathogenic.

Literature cited by the submitters: PubMed 18371931 (cited by Labcorp Genetics (formerly Invitae), Labcorp); PubMed 23559409 (cited by Labcorp Genetics (formerly Invitae), Labcorp).

NM_153240.5(NPHP3):c.1675del (p.His559fs)

Genes: NPHP3 (nephrocystin 3; minus strand), NPHP3-ACAD11 (NPHP3-ACAD11 readthrough (NMD candidate); minus strand). Cytogenetic location: 3q22.1.
Variant type: Deletion.
Coding change: c.1675del on transcript NM_153240.5 (MANE Select); coding-DNA position 1675, one base deleted (C; older notation c.1675delC).
Protein change: p.His559fs; shifts the reading frame from histidine 559.
Molecular consequence: frameshift variant. On other transcripts: non-coding transcript variant (1).
Genome position (GRCh38, 1-based): chr3:132,700,402, G deleted on the plus strand (C on the coding strand, the reverse complement: NPHP3 is on the minus strand); the first of 3 consecutive G bases (chr3:132,700,402-132,700,404); deleting any one gives the same sequence. VCF-style (leftmost placement, unchanged base first): chr3-132700401-TG-T. GRCh37 (hg19) VCF-style: chr3-132419245-TG-T.
Other names: c.1675delC (NM_153240.4); short protein forms H559fs.
Identifiers: ClinVar variation 2021418 (VCV002021418.6), dbSNP rs1171578361, ClinGen allele CA546269060.